The following is an entry in ClinVar:

ClinVar aggregate classification (germline): Uncertain significance (1 of 4 stars; one submission).

Submission:

GeneDx
Classification: Uncertain significance. Last evaluated: 2024-10-23. Review status: criteria provided, single submitter. Criteria: GeneDx Variant Classification Process June 2021. Collection method: clinical testing. Allele origin: germline. Affected: yes.
Comment: Not observed at significant frequency in large population cohorts (gnomAD); In silico analysis indicates that this missense variant does not alter protein structure/function; Has not been previously published as pathogenic or benign to our knowledge

NM_003793.4(CTSF):c.211C>T (p.Arg71Trp)

Gene: CTSF (cathepsin F; minus strand). Cytogenetic location: 11q13.2.
Variant type: single nucleotide variant.
Coding change: c.211C>T on transcript NM_003793.4 (MANE Select); coding-DNA position 211, C replaced by T.
Protein change: p.Arg71Trp; replaces arginine 71 with tryptophan.
Molecular consequence: missense variant.
Genome position (GRCh38, 1-based): chr11:66,568,276, G>A on the plus strand (C>T on the coding strand, the complement: CTSF is on the minus strand). VCF-style: chr11-66568276-G-A. GRCh37 (hg19) VCF-style: chr11-66335747-G-A.
Other names: short protein forms R71W.
Identifiers: ClinVar variation 3893482 (VCV003893482.1).